The following is an entry in ClinVar:

ClinVar aggregate classification (germline): Uncertain significance (1 of 4 stars; one submission).

Submission:

GeneDx
Classification: Uncertain significance. Last evaluated: 2023-12-11. Review status: criteria provided, single submitter. Criteria: GeneDx Variant Classification Process June 2021. Collection method: clinical testing. Allele origin: germline. Affected: yes.
Comment: Not observed at significant frequency in large population cohorts (gnomAD); In silico analysis supports that this missense variant has a deleterious effect on protein structure/function; Has not been previously published as pathogenic or benign to our knowledge; In silico analysis suggests this variant may impact gene splicing. In the absence of RNA/functional studies, the actual effect of this sequence change is unknown.

NM_024809.5(TCTN2):c.1748A>T (p.Glu583Val)

Gene: TCTN2 (tectonic family member 2; plus strand). Cytogenetic location: 12q24.31.
Variant type: single nucleotide variant.
Coding change: c.1748A>T on transcript NM_024809.5 (MANE Select); coding-DNA position 1748, A replaced by T.
Protein change: p.Glu583Val; replaces glutamic acid 583 with valine.
Molecular consequence: missense variant.
Genome position (GRCh38, 1-based): chr12:123,704,667, A>T. VCF-style: chr12-123704667-A-T. GRCh37 (hg19) VCF-style: chr12-124189214-A-T.
Other names: c.1745A>T, p.Glu582Val (NM_001143850.3); c.1613A>T, p.Glu538Val (NM_001410989.1); short protein forms E538V, E582V, E583V.
Identifiers: ClinVar variation 3365369 (VCV003365369.1).